The following is an entry in ClinVar:

ClinVar aggregate classification (germline): Uncertain significance (1 of 4 stars; one submission).

Conditions:
Inborn genetic diseases. Identifiers: MedGen C0950123, MeSH D030342.

Submission:

Ambry Genetics
Classification: Uncertain significance for Inborn genetic diseases. Last evaluated: 2025-09-25. Review status: criteria provided, single submitter. Criteria: Ambry Variant Classification Scheme 2023. Collection method: clinical testing. Allele origin: germline.
Comment: The p.Q1212P variant (also known as c.3635A>C), located in coding exon 1 of the SAMD9 gene, results from an A to C substitution at nucleotide position 3635. The glutamine at codon 1212 is replaced by proline, an amino acid with similar properties. This amino acid position is conserved. In addition, this alteration is predicted to be tolerated by in silico analysis. Based on the available evidence, the clinical significance of this variant remains unclear.

NM_017654.4(SAMD9):c.3635A>C (p.Gln1212Pro)

Gene: SAMD9 (sterile alpha motif domain containing 9; minus strand). Cytogenetic location: 7q21.2.
Variant type: single nucleotide variant.
Coding change: c.3635A>C on transcript NM_017654.4 (MANE Select); coding-DNA position 3635, A replaced by C.
Protein change: p.Gln1212Pro; replaces glutamine 1212 with proline.
Molecular consequence: missense variant.
Genome position (GRCh38, 1-based): chr7:93,102,463, T>G on the plus strand (A>C on the coding strand, the complement: SAMD9 is on the minus strand). VCF-style: chr7-93102463-T-G. GRCh37 (hg19) VCF-style: chr7-92731776-T-G.
Other names: c.3635A>C, p.Gln1212Pro (NM_001193307.2); short protein forms Q1212P.
Identifiers: ClinVar variation 4629819 (VCV004629819.1).